The following is an entry in ClinVar:

ClinVar aggregate classification (germline): Pathogenic (1 of 4 stars; one submission).

Conditions:
Fanconi anemia complementation group C (FANCC). Also called: FANCONI PANCYTOPENIA, TYPE 3; FACC; Fanconi anemia, group C; FANCC-Related Fanconi Anemia. Identifiers: Orphanet 84, MedGen C3468041, MONDO:0009213, OMIM 227645.

Submission:

Myriad Genetics, Inc.
Classification: Pathogenic for Fanconi anemia complementation group C. Last evaluated: 2025-06-24. Review status: criteria provided, single submitter. Criteria: Myriad Autosomal Dominant, Autosomal Recessive and X-Linked Classification Criteria (2023). Collection method: clinical testing. Allele origin: unknown.
Comment: NM_000136.2(FANCC):c.653_654delAG(E218Vfs*3) is expected to be pathogenic in the context of Fanconi anemia, FANCC-related. This variant is predicted to lead to an abnormal or absent protein product due to the creation of a premature termination codon in FANCC, a gene where loss-of-function variants are known to be pathogenic. Please note: this variant was assessed in the context of healthy population screening.

NM_000136.3(FANCC):c.653_654del (p.Glu218fs)

Genes: AOPEP (aminopeptidase O (putative); plus strand), FANCC (FA complementation group C; minus strand). Cytogenetic location: 9q22.32.
Variant type: Microsatellite.
Coding change: c.653_654del on transcript NM_000136.3 (MANE Select); coding-DNA positions 653 to 654, 2 bases deleted (AG; older notation c.653_654delAG).
Protein change: p.Glu218fs; shifts the reading frame from glutamic acid 218.
Molecular consequence: frameshift variant.
Genome position (GRCh38, 1-based): chr9:95,149,955-95,149,956, CT deleted on the plus strand (AG on the coding strand, the reverse complement: FANCC is on the minus strand); deleting any 2 consecutive bases within chr9:95,149,955-95,149,958 gives the same sequence; the c. name uses the placement nearest the transcript's 3' end. VCF-style (leftmost placement, unchanged base first): chr9-95149954-ACT-A. GRCh37 (hg19) VCF-style: chr9-97912236-ACT-A.
Other names: c.653_654del, p.Glu218fs (NM_001243743.2, NM_001243744.2); short protein forms E218fs.
Identifiers: ClinVar variation 5014642 (VCV005014642.1).